The following is an entry in ClinVar:

ClinVar aggregate classification (germline): Likely benign (0 of 4 stars; one submission).

Conditions:
PLXNA3-related disorder. Also called: PLXNA3-related condition.

Submission:

PreventionGenetics, part of Exact Sciences
Classification: Likely benign for PLXNA3-related condition. Last evaluated: 2020-10-27. Review status: no assertion criteria provided. Collection method: clinical testing. Allele origin: germline.
Comment: This variant is classified as likely benign based on ACMG/AMP sequence variant interpretation guidelines (Richards et al. 2015 PMID: 25741868, with internal and published modifications).

NM_017514.5(PLXNA3):c.1929-3dup

Gene: PLXNA3 (plexin A3; plus strand). Cytogenetic location: Xq28.
Variant type: Duplication.
Coding change: c.1929-3dup on transcript NM_017514.5 (MANE Select); 3 bases into the intron before coding-DNA position 1929, one base duplicated (C; older notation c.1929-3dupC).
Molecular consequence: intron variant.
Genome position (GRCh38, 1-based): chrX:154,464,751, C duplicated; the last of 7 consecutive C bases (chrX:154,464,745-154,464,751); duplicating any one gives the same sequence. VCF-style (leftmost placement, unchanged base first): chrX-154464744-T-TC. GRCh37 (hg19) VCF-style: chrX-153693087-T-TC.
Identifiers: ClinVar variation 3032109 (VCV003032109.2), dbSNP rs782163370, ClinGen allele CA10564226.